The following is an entry in ClinVar:

ClinVar aggregate classification (germline): Uncertain significance. Review status: criteria provided, multiple submitters, no conflicts (2 of 4 stars). 7 submissions from 7 submitters: Uncertain significance (7). Last evaluated 2025-11-28.

Conditions:
Aortic aneurysm, familial thoracic 4 (AAT4). Also called: AORTIC ANEURYSM/AORTIC DISSECTION AND PATENT DUCTUS ARTERIOSUS. Identifiers: MedGen C1851504, MONDO:0007568, OMIM 132900.
Megacystis-microcolon-intestinal hypoperistalsis syndrome 2. Identifiers: MedGen C5543476, MONDO:0025708, OMIM 619351.
Visceral myopathy 2. Identifiers: MedGen C5543466, MONDO:0859157, OMIM 619350.
Familial thoracic aortic aneurysm and aortic dissection (TAAD). Also called: Thoracic aortic aneurysms and dissections. Identifiers: Orphanet 91387, MedGen C4707243, MONDO:0019625.

Allele frequency attached by ClinVar (database versions not stated): ExAC 0.00001; gnomAD exomes 0.00001 and 0.00002; TOPMed 0.00002; gnomAD 0.00003.
gnomAD v4.1: 37 of 1,614,028 alleles (0.0023%); highest among the groups gnomAD compares: Non-Finnish European, 0.003%; no homozygotes.

Submissions (7):

Labcorp Genetics (formerly Invitae), Labcorp
Classification: Uncertain significance for Aortic aneurysm, familial thoracic 4. Last evaluated: 2025-11-28. Review status: criteria provided, single submitter. Criteria: Invitae Variant Classification Sherloc (09022015). Collection method: clinical testing. Allele origin: germline.
Comment: This sequence change replaces arginine, which is basic and polar, with threonine, which is neutral and polar, at codon 34 of the MYH11 protein (p.Arg34Thr). This variant is present in population databases (rs199654191, gnomAD 0.004%). This variant has not been reported in the literature in individuals affected with MYH11-related conditions. ClinVar contains an entry for this variant (Variation ID: 289940). Invitae Evidence Modeling of protein sequence and biophysical properties (such as structural, functional, and spatial information, amino acid conservation, physicochemical variation, residue mobility, and thermodynamic stability) indicates that this missense variant is not expected to disrupt MYH11 protein function with a negative predictive value of 95%. In summary, the available evidence is currently insufficient to determine the role of this variant in disease. Therefore, it has been classified as a Variant of Uncertain Significance.

Ambry Genetics
Classification: Uncertain significance for Familial thoracic aortic aneurysm and aortic dissection. Last evaluated: 2025-02-13. Review status: criteria provided, single submitter. Criteria: Ambry Variant Classification Scheme 2023. Collection method: clinical testing. Allele origin: germline.
Comment: The p.R34T variant (also known as c.101G>C), located in coding exon 1 of the MYH11 gene, results from a G to C substitution at nucleotide position 101. The arginine at codon 34 is replaced by threonine, an amino acid with similar properties. This amino acid position is poorly conserved in available vertebrate species. In addition, this alteration is predicted to be tolerated by in silico analysis. Since supporting evidence is limited at this time, the clinical significance of this alteration remains unclear.

All of Us Research Program, National Institutes of Health
Classification: Uncertain significance for Familial thoracic aortic aneurysm and aortic dissection. Last evaluated: 2024-07-20. Review status: criteria provided, single submitter. Criteria: ACMG Guidelines, 2015. Collection method: clinical testing. Allele origin: germline. Inheritance: Autosomal dominant inheritance. Observed: 15 variant alleles, 15 heterozygotes.
Comment: This missense variant replaces arginine with threonine at codon 34 of the MYH11 protein. Computational prediction suggests that this variant may not impact protein structure and function (internally defined REVEL score threshold <= 0.5, PMID: 27666373). To our knowledge, functional studies have not been reported for this variant. This variant has not been reported in individuals affected with cardiovascular disorders in the literature. This variant has been identified in 5/281946 chromosomes in the general population by the Genome Aggregation Database (gnomAD). The available evidence is insufficient to determine the role of this variant in disease conclusively. Therefore, this variant is classified as a Variant of Uncertain Significance.

This study involves interpretation of variants in research participants for the purpose of population health screening. Participant phenotype was not available at the time of variant classification. Additional details can be found in publication PMID: 35346344, PMCID: PMC8962531

Fulgent Genetics
Classification: Uncertain significance for Aortic aneurysm, familial thoracic 4; Visceral myopathy 2; Megacystis-microcolon-intestinal hypoperistalsis syndrome 2. Last evaluated: 2024-04-15. Review status: criteria provided, single submitter. Criteria: ACMG Guidelines, 2015. Collection method: clinical testing. Allele origin: germline.

Color Diagnostics, LLC DBA Color Health
Classification: Uncertain significance for Familial thoracic aortic aneurysm and aortic dissection. Last evaluated: 2024-03-06. Review status: criteria provided, single submitter. Criteria: ACMG Guidelines, 2015. Collection method: clinical testing. Allele origin: germline.
Comment: This missense variant replaces arginine with threonine at codon 34 of the MYH11 protein. Computational prediction suggests that this variant may not impact protein structure and function (internally defined REVEL score threshold <= 0.5, PMID: 27666373). To our knowledge, functional studies have not been reported for this variant. This variant has not been reported in individuals affected with cardiovascular disorders in the literature. This variant has been identified in 5/281946 chromosomes in the general population by the Genome Aggregation Database (gnomAD). The available evidence is insufficient to determine the role of this variant in disease conclusively. Therefore, this variant is classified as a Variant of Uncertain Significance.

GeneDx
Classification: Uncertain significance. Last evaluated: 2024-02-22. Review status: criteria provided, single submitter. Criteria: GeneDx Variant Classification Process June 2021. Collection method: clinical testing. Allele origin: germline. Affected: yes.
Comment: Not observed at significant frequency in large population cohorts (gnomAD); In silico analysis supports that this missense variant has a deleterious effect on protein structure/function; Has not been previously published as pathogenic or benign to our knowledge

Eurofins Ntd Llc (ga)
Classification: Uncertain significance. Last evaluated: 2016-08-26. Review status: criteria provided, single submitter. Criteria: EGL Classification Definitions 2015. Collection method: clinical testing. Allele origin: germline. Observed: 2 variant alleles, 2 heterozygotes.

NM_002474.3(MYH11):c.101G>C (p.Arg34Thr)

Gene: MYH11 (myosin heavy chain 11; minus strand). Cytogenetic location: 16p13.11.
Variant type: single nucleotide variant.
Coding change: c.101G>C on transcript NM_002474.3 (MANE Select); coding-DNA position 101, G replaced by C.
Protein change: p.Arg34Thr; replaces arginine 34 with threonine.
Molecular consequence: missense variant.
Genome position (GRCh38, 1-based): chr16:15,838,152, C>G on the plus strand (G>C on the coding strand, the complement: MYH11 is on the minus strand). VCF-style: chr16-15838152-C-G. GRCh37 (hg19) VCF-style: chr16-15932009-C-G.
Other names: c.101G>C, p.Arg34Thr (NM_001040113.2, NM_001040114.2, NM_022844.3); short protein forms R34T.
Identifiers: ClinVar variation 289940 (VCV000289940.27), dbSNP rs199654191, ClinGen allele CA7923119.